The following is an entry in ClinVar:

ClinVar aggregate classification (germline): Likely benign (1 of 4 stars; one submission).

Submission:

CeGaT Center for Human Genetics Tuebingen
Classification: Likely benign. Last evaluated: 2024-10-01. Review status: criteria provided, single submitter. Criteria: CeGaT Center For Human Genetics Tuebingen Variant Classification Criteria Version 2. Collection method: clinical testing. Allele origin: germline. Affected: yes. Observed: 1 variant allele.
Comment: MUC5B: BP4, BS1

NM_002458.3(MUC5B):c.6158C>G (p.Thr2053Ser)

Genes: MUC5B (mucin 5B, oligomeric mucus/gel-forming; plus strand), MUC5B-AS1 (MUC5B antisense RNA 1; minus strand). Cytogenetic location: 11p15.5.
Variant type: single nucleotide variant.
Coding change: c.6158C>G on transcript NM_002458.3 (MANE Select); coding-DNA position 6158, C replaced by G.
Protein change: p.Thr2053Ser; replaces threonine 2053 with serine.
Molecular consequence: missense variant.
Genome position (GRCh38, 1-based): chr11:1,243,038, C>G. VCF-style: chr11-1243038-C-G. GRCh37 (hg19) VCF-style: chr11-1264268-C-G.
Other names: short protein forms T2053S.
Identifiers: ClinVar variation 3388725 (VCV003388725.14).
Genomic context (GRCh38, chr11:1,243,038, plus strand): 5'-CCGGCTCTGTGGCCACCCCCTCCTCCACCCCAGGAACAGCTCACACTACCAAAGTGCCAA[C>G]TACCACAACCACGGGCTTCACAGCCACCCCCTCCTCCAGCCCAGGGACGGCACTCACGCC-3'
Protein context (NP_002449.2, residues 2043-2063): PGTAHTTKVP[Thr2053Ser]TTTTGFTATP